The following is an entry in ClinVar:

ClinVar aggregate classification (germline): Uncertain significance (1 of 4 stars; one submission).

Allele frequency attached by ClinVar (database versions not stated): gnomAD 0.00001; TOPMed 0.00002; ExAC 0.00003; ESP Exome Variant Server 0.00008.
gnomAD v4.1: 28 of 1,612,716 alleles (0.0017%); highest among the groups gnomAD compares: Middle Eastern, 0.016%; no homozygotes.

Submission:

Labcorp Genetics (formerly Invitae), Labcorp
Classification: Uncertain significance. Last evaluated: 2024-01-15. Review status: criteria provided, single submitter. Criteria: Invitae Variant Classification Sherloc (09022015). Collection method: clinical testing. Allele origin: germline.
Comment: This sequence change replaces arginine, which is basic and polar, with glutamine, which is neutral and polar, at codon 3227 of the DCHS1 protein (p.Arg3227Gln). This variant is present in population databases (rs374331068, gnomAD 0.003%). This variant has not been reported in the literature in individuals affected with DCHS1-related conditions. Advanced modeling of protein sequence and biophysical properties (such as structural, functional, and spatial information, amino acid conservation, physicochemical variation, residue mobility, and thermodynamic stability) performed at Invitae indicates that this missense variant is not expected to disrupt DCHS1 protein function with a negative predictive value of 95%. In summary, the available evidence is currently insufficient to determine the role of this variant in disease. Therefore, it has been classified as a Variant of Uncertain Significance.

NM_003737.4(DCHS1):c.9680G>A (p.Arg3227Gln)

Gene: DCHS1 (dachsous cadherin-related 1; minus strand). Cytogenetic location: 11p15.4.
Variant type: single nucleotide variant.
Coding change: c.9680G>A on transcript NM_003737.4 (MANE Select); coding-DNA position 9680, G replaced by A.
Protein change: p.Arg3227Gln; replaces arginine 3227 with glutamine.
Molecular consequence: missense variant.
Genome position (GRCh38, 1-based): chr11:6,621,996, C>T on the plus strand (G>A on the coding strand, the complement: DCHS1 is on the minus strand). VCF-style: chr11-6621996-C-T. GRCh37 (hg19) VCF-style: chr11-6643227-C-T.
Other names: short protein forms R3227Q.
Identifiers: ClinVar variation 2887884 (VCV002887884.3), dbSNP rs374331068, ClinGen allele CA5859200.